The following is an entry in ClinVar:

ClinVar aggregate classification (germline): Uncertain significance. Review status: criteria provided, multiple submitters, no conflicts (2 of 4 stars). 2 submissions from 2 submitters: Uncertain significance (2). Last evaluated 2026-01-13.

Allele frequency attached by ClinVar (database versions not stated): gnomAD exomes 0.00002 and 0.00004; ExAC 0.00005; gnomAD 0.00015 and 0.00016; TOPMed 0.00017; ESP Exome Variant Server 0.00023.

Submissions (2):

Labcorp Genetics (formerly Invitae), Labcorp
Classification: Uncertain significance. Last evaluated: 2026-01-13. Review status: criteria provided, single submitter. Criteria: Invitae Variant Classification Sherloc (09022015). Collection method: clinical testing. Allele origin: germline.
Comment: This sequence change replaces valine, which is neutral and non-polar, with isoleucine, which is neutral and non-polar, at codon 693 of the GEN1 protein (p.Val693Ile). This variant is present in population databases (rs150533023, gnomAD 0.07%), and has an allele count higher than expected for a pathogenic variant. This variant has not been reported in the literature in individuals affected with GEN1-related conditions. ClinVar contains an entry for this variant (Variation ID: 848054). An algorithm developed to predict the effect of missense changes on protein structure and function outputs the following: PolyPhen-2: "Benign". The isoleucine amino acid residue is found in multiple mammalian species, which suggests that this missense change does not adversely affect protein function. In summary, the available evidence is currently insufficient to determine the role of this variant in disease. Therefore, it has been classified as a Variant of Uncertain Significance.

Ambry Genetics
Classification: Uncertain significance. Last evaluated: 2025-04-25. Review status: criteria provided, single submitter. Criteria: Ambry Variant Classification Scheme 2023. Collection method: clinical testing. Allele origin: germline.

NM_001130009.3(GEN1):c.2077G>A (p.Val693Ile)

Gene: GEN1 (GEN1 structure-specific endonuclease; plus strand). Cytogenetic location: 2p24.2.
Variant type: single nucleotide variant.
Coding change: c.2077G>A on transcript NM_001130009.3 (MANE Select); coding-DNA position 2077, G replaced by A.
Protein change: p.Val693Ile; replaces valine 693 with isoleucine.
Molecular consequence: missense variant.
Genome position (GRCh38, 1-based): chr2:17,781,289, G>A. VCF-style: chr2-17781289-G-A. GRCh37 (hg19) VCF-style: chr2-17962556-G-A.
Other names: c.2077G>A, p.Val693Ile (NM_182625.5); c.2077G>A (NM_001130009.1); short protein forms V693I.
Identifiers: ClinVar variation 848054 (VCV000848054.8), dbSNP rs150533023, ClinGen allele CA1540889.